The following is an entry in ClinVar:

ClinVar aggregate classification (germline): Pathogenic (1 of 4 stars; one submission).

Conditions:
MHC class I deficiency. Identifiers: Orphanet 34592, MedGen C6024714, MONDO:0011476.

Submission:

Labcorp Genetics (formerly Invitae), Labcorp
Classification: Pathogenic for MHC class I deficiency 1. Last evaluated: 2023-09-19. Review status: criteria provided, single submitter. Criteria: Invitae Variant Classification Sherloc (09022015). Collection method: clinical testing. Allele origin: germline.
Comment: For these reasons, this variant has been classified as Pathogenic. This variant has not been reported in the literature in individuals affected with TAP1-related conditions. This variant is not present in population databases (gnomAD no frequency). This sequence change creates a premature translational stop signal (p.Arg286*) in the TAP1 gene. It is expected to result in an absent or disrupted protein product. Loss-of-function variants in TAP1 are known to be pathogenic (PMID: 10074494, 10074495).

Literature cited by the submitters: PubMed 10074494; PubMed 10074495.

NM_000593.6(TAP1):c.676C>T (p.Arg226Ter)

Gene: TAP1 (transporter 1, ATP binding cassette subfamily B member; minus strand). Cytogenetic location: 6p21.32.
Variant type: single nucleotide variant.
Coding change: c.676C>T on transcript NM_000593.6 (MANE Select); coding-DNA position 676, C replaced by T.
Protein change: p.Arg226Ter; replaces arginine 226 with a stop codon.
Molecular consequence: nonsense.
Genome position (GRCh38, 1-based): chr6:32,852,425, G>A on the plus strand (C>T on the coding strand, the complement: TAP1 is on the minus strand). VCF-style: chr6-32852425-G-A. GRCh37 (hg19) VCF-style: chr6-32820202-G-A.
Other names: c.73C>T, p.Arg25Ter (NM_001292022.2); short protein forms R25*, R226*.
Identifiers: ClinVar variation 2780812 (VCV002780812.2), dbSNP rs2483177125, ClinGen allele CA363581336.